The following is an entry in ClinVar:

NM_001009944.3(PKD1):c.12716T>C (p.Leu4239Pro)

Gene: PKD1 (polycystin 1, transient receptor potential channel interacting; minus strand). Cytogenetic location: 16p13.3.
Variant type: single nucleotide variant.
Coding change: c.12716T>C on transcript NM_001009944.3 (MANE Select); coding-DNA position 12716, T replaced by C.
Protein change: p.Leu4239Pro; replaces leucine 4239 with proline.
Molecular consequence: missense variant.
Genome position (GRCh38, 1-based): chr16:2,089,923, A>G on the plus strand (T>C on the coding strand, the complement: PKD1 is on the minus strand). VCF-style: chr16-2089923-A-G. GRCh37 (hg19) VCF-style: chr16-2139924-A-G.
Other names: c.12713T>C, p.Leu4238Pro (NM_000296.4); short protein forms L4238P, L4239P.
Identifiers: ClinVar variation 4879597 (VCV004879597.1).

ClinVar aggregate classification (germline): Uncertain significance (1 of 4 stars; one submission).

Conditions:
Polycystic kidney disease, adult type (PKD1). Also called: Polycystic Kidney Disease 1, Autosomal Dominant; Polycystic kidney disease 1; Polycystic kidney disease 1, severe; POLYCYSTIC KIDNEY DISEASE, ADULT, TYPE I; Polycystic Kidney, Autosomal Dominant; POLYCYSTIC KIDNEY DISEASE 1 WITH OR WITHOUT POLYCYSTIC LIVER DISEASE. Identifiers: MedGen C3149841, MONDO:0008263, OMIM 173900.

gnomAD v4.1: 1 of 1,612,080 alleles (0.000062%); highest among the groups gnomAD compares: Non-Finnish European, 0.000085%; no homozygotes.

Submission:

Victorian Clinical Genetics Services, Murdoch Childrens Research Institute
Classification: Uncertain significance for Polycystic kidney disease, adult type. Last evaluated: 2026-05-14. Review status: criteria provided, single submitter. Criteria: ACMG Guidelines, 2015. Collection method: clinical testing. Allele origin: germline. Affected: yes.
Comment: This variant is classified as VUS-3B. Evidence in support of pathogenic classification: Variant is present in gnomAD <0.001 for a dominant condition (v4: 1 heterozygote(s), 0 homozygote(s)). Additional information: Variant is predicted to result in a missense amino acid change from Leu to Pro; This variant is heterozygous; This gene is associated with autosomal dominant disease. Polycystic kidney disease 1 (MIM#173900) is predominantly caused by monoallelic variants, with rare reports of biallelic variants causing disease (OMIM); This variant has no previous evidence of pathogenicity; No published evidence of segregation with disease has been identified for this variant; No published functional evidence has been identified for this variant; No comparable missense variants have previous evidence for pathogenicity; Variant is located in the annotated C-terminal coiled coil (PMIDs: 21642537, 16790429); Missense variant with inconclusive in silico prediction and/or uninformative conservation; Loss of function is a known mechanism of disease in this gene and is associated with polycystic kidney disease 1 (MIM#173900); Inheritance information for this variant is not currently available in this individual.

Literature cited by the submitters: PubMed 21642537; PubMed 16790429.